The following is an entry in ClinVar:

NM_033100.4(CDHR1):c.146C>T (p.Pro49Leu)

Gene: CDHR1 (cadherin related family member 1; plus strand). Cytogenetic location: 10q23.1.
Variant type: single nucleotide variant.
Coding change: c.146C>T on transcript NM_033100.4 (MANE Select); coding-DNA position 146, C replaced by T.
Protein change: p.Pro49Leu; replaces proline 49 with leucine.
Molecular consequence: missense variant.
Genome position (GRCh38, 1-based): chr10:84,195,584, C>T. VCF-style: chr10-84195584-C-T. GRCh37 (hg19) VCF-style: chr10-85955340-C-T.
Other names: c.146C>T, p.Pro49Leu (NM_001171971.3); short protein forms P49L.
Identifiers: ClinVar variation 2034714 (VCV002034714.4), dbSNP rs1293587801, ClinGen allele CA377369379.
Genomic context (GRCh38, chr10:84,195,584, plus strand): 5'-ACAACGGGGTCGGCAGCACCAACGGAAACATGGCTCTGTTCAGCCTCCCAGAGGACACCC[C>T]TGTAGGTGAGTAGCCCTGGCACCTGCTCCCGATAGGTCTCCCTGAGGGGTGCAGGCAGAC-3'
Protein context (NP_149091.1, residues 39-59): MALFSLPEDT[Pro49Leu]VGSHVYTLNG

ClinVar aggregate classification (germline): Uncertain significance. Review status: criteria provided, multiple submitters, no conflicts (2 of 4 stars). 2 submissions from 2 submitters: Uncertain significance (2). Last evaluated 2022-08-11.

Allele frequency attached by ClinVar (database versions not stated): gnomAD exomes below 0.00001; TOPMed below 0.00001.
gnomAD v4.1: 2 of 1,613,700 alleles (0.00012%); highest among the groups gnomAD compares: African/African-American, 0.0013%; no homozygotes.

Submissions (2):

Blueprint Genetics
Classification: Uncertain significance. Last evaluated: 2022-08-11. Review status: criteria provided, single submitter. Criteria: ACMG Guidelines, 2015. Collection method: clinical testing. Allele origin: germline.

Labcorp Genetics (formerly Invitae), Labcorp
Classification: Uncertain significance. Last evaluated: 2022-03-01. Review status: criteria provided, single submitter. Criteria: Invitae Variant Classification Sherloc (09022015). Collection method: clinical testing. Allele origin: germline.
Comment: In summary, the available evidence is currently insufficient to determine the role of this variant in disease. Therefore, it has been classified as a Variant of Uncertain Significance. Advanced modeling of protein sequence and biophysical properties (such as structural, functional, and spatial information, amino acid conservation, physicochemical variation, residue mobility, and thermodynamic stability) performed at Invitae indicates that this missense variant is not expected to disrupt CDHR1 protein function. This variant has not been reported in the literature in individuals affected with CDHR1-related conditions. This variant is present in population databases (no rsID available, gnomAD 0.007%). This sequence change replaces proline, which is neutral and non-polar, with leucine, which is neutral and non-polar, at codon 49 of the CDHR1 protein (p.Pro49Leu).